The following is an entry in ClinVar:

NM_014989.7(RIMS1):c.4048A>G (p.Ile1350Val)

Gene: RIMS1 (regulating synaptic membrane exocytosis 1; plus strand). Cytogenetic location: 6q13.
Variant type: single nucleotide variant.
Coding change: c.4048A>G on transcript NM_014989.7 (MANE Select); coding-DNA position 4048, A replaced by G.
Protein change: p.Ile1350Val; replaces isoleucine 1350 with valine.
Molecular consequence: missense variant. On other transcripts: intron variant (24).
Genome position (GRCh38, 1-based): chr6:72,313,590, A>G. VCF-style: chr6-72313590-A-G. GRCh37 (hg19) VCF-style: chr6-73023293-A-G.
Other names: c.4048A>G (NM_014989.4); c.2008A>G, p.Ile670Val (NM_001168407.2); c.1969A>G, p.Ile657Val (NM_001350414.2); c.2092A>G, p.Ile698Val (NM_001350415.2); c.2041A>G, p.Ile681Val (NM_001350416.2); c.2014A>G, p.Ile672Val (NM_001350418.2); c.2122A>G, p.Ile708Val (NM_001350420.2); c.1867A>G, p.Ile623Val (NM_001350421.2); and 52 more; short protein forms I624V, I681V, I699V, I708V, I734V, I539V, I576V, I581V.
Identifiers: ClinVar variation 1951117 (VCV001951117.7), dbSNP rs774714299, ClinGen allele CA3886429.
Genomic context (GRCh38, chr6:72,313,590, plus strand): 5'-AGAAGCTGTGATAACGTCTCTGCCAAATCATCAGATAGTGATGTCAGTGATGTTTCCGCC[A>G]TTTCCCGAACCAGCAGTGCCTCACGCCTCAGCAGCACAAGCTTTATGTCAGAGCAATCTG-3'
Protein context (NP_055804.2, residues 1340-1360): SDSDVSDVSA[Ile1350Val]SRTSSASRLS

ClinVar aggregate classification (germline): Uncertain significance. Review status: criteria provided, multiple submitters, no conflicts (2 of 4 stars). 2 submissions from 2 submitters: Uncertain significance (2). Last evaluated 2024-02-05.

Allele frequency attached by ClinVar (database versions not stated): ExAC 0.00001; gnomAD 0.00001; TOPMed 0.00002.
gnomAD v4.1: 6 of 1,613,672 alleles (0.00037%); highest among the groups gnomAD compares: African/African-American, 0.0053%; no homozygotes.

Submissions (2):

Labcorp Genetics (formerly Invitae), Labcorp
Classification: Uncertain significance. Last evaluated: 2024-02-05. Review status: criteria provided, single submitter. Criteria: Invitae Variant Classification Sherloc (09022015). Collection method: clinical testing. Allele origin: germline.
Comment: This sequence change replaces isoleucine, which is neutral and non-polar, with valine, which is neutral and non-polar, at codon 1350 of the RIMS1 protein (p.Ile1350Val). This variant is present in population databases (rs774714299, gnomAD 0.01%). This variant has not been reported in the literature in individuals affected with RIMS1-related conditions. ClinVar contains an entry for this variant (Variation ID: 1951117). Algorithms developed to predict the effect of missense changes on protein structure and function output the following: SIFT: "Not Available"; PolyPhen-2: "Benign"; Align-GVGD: "Not Available". The valine amino acid residue is found in multiple mammalian species, which suggests that this missense change does not adversely affect protein function. In summary, the available evidence is currently insufficient to determine the role of this variant in disease. Therefore, it has been classified as a Variant of Uncertain Significance.

Ambry Genetics
Classification: Uncertain significance. Last evaluated: 2023-08-21. Review status: criteria provided, single submitter. Criteria: Ambry Variant Classification Scheme 2023. Collection method: clinical testing. Allele origin: germline.